The following is an entry in ClinVar:

ClinVar aggregate classification (germline): Uncertain significance. Review status: criteria provided, multiple submitters, no conflicts (2 of 4 stars). 2 submissions from 2 submitters: Uncertain significance (2). Last evaluated 2026-01-25.

Conditions:
Cardiovascular phenotype. Identifiers: MedGen CN230736.
Hereditary cancer-predisposing syndrome. Also called: Hereditary neoplastic syndrome; Tumor predisposition; Neoplastic Syndromes, Hereditary; Hereditary Cancer Syndrome. Identifiers: Orphanet 140162, MedGen C0027672, MeSH D009386, MONDO:0015356.

Allele frequency attached by ClinVar (database versions not stated): ExAC 0.00001; gnomAD 0.00002; TOPMed 0.00002; ESP Exome Variant Server 0.00008.
gnomAD v4.1: 5 of 1,611,856 alleles (0.00031%); highest among the groups gnomAD compares: African/African-American, 0.0053%; no homozygotes.

Submissions (2):

Labcorp Genetics (formerly Invitae), Labcorp
Classification: Uncertain significance. Last evaluated: 2026-01-25. Review status: criteria provided, single submitter. Criteria: Invitae Variant Classification Sherloc (09022015). Collection method: clinical testing. Allele origin: germline.
Comment: This sequence change falls in intron 19 of the LZTR1 gene. It does not directly change the encoded amino acid sequence of the LZTR1 protein. It affects a nucleotide within the consensus splice site. This variant is present in population databases (rs375845428, gnomAD 0.007%). This variant has not been reported in the literature in individuals affected with LZTR1-related conditions. ClinVar contains an entry for this variant (Variation ID: 1506427). Variants that disrupt the consensus splice site are a relatively common cause of aberrant splicing (PMID: 17576681, 9536098). Algorithms developed to predict the effect of sequence changes on RNA splicing suggest that this variant may disrupt the consensus splice site. In summary, the available evidence is currently insufficient to determine the role of this variant in disease. Therefore, it has been classified as a Variant of Uncertain Significance.

Ambry Genetics
Classification: Uncertain significance for Cardiovascular phenotype; Hereditary cancer-predisposing syndrome. Last evaluated: 2025-08-19. Review status: criteria provided, single submitter. Criteria: Ambry Variant Classification Scheme 2023. Collection method: clinical testing. Allele origin: germline.
Comment: The c.2326-3C>T intronic variant results from a C to T substitution 3 nucleotides upstream from coding exon 20 in the LZTR1 gene. This nucleotide position is not well conserved in available vertebrate species. In silico splice site analysis predicts that this alteration will not have any significant effect on splicing. Since supporting evidence is limited at this time, the clinical significance of this alteration remains unclear.

Literature cited by the submitters: PubMed 17576681 (cited by Labcorp Genetics (formerly Invitae), Labcorp); PubMed 9536098 (cited by Labcorp Genetics (formerly Invitae), Labcorp).

NM_006767.4(LZTR1):c.2326-3C>T

Gene: LZTR1 (leucine zipper like post translational regulator 1; plus strand). Cytogenetic location: 22q11.21.
Variant type: single nucleotide variant.
Coding change: c.2326-3C>T on transcript NM_006767.4 (MANE Select); 3 bases into the intron before coding-DNA position 2326, C replaced by T.
Molecular consequence: intron variant.
Genome position (GRCh38, 1-based): chr22:20,996,883, C>T. VCF-style: chr22-20996883-C-T. GRCh37 (hg19) VCF-style: chr22-21351172-C-T.
Identifiers: ClinVar variation 1506427 (VCV001506427.9), dbSNP rs375845428, ClinGen allele CA10119364.